The following is an entry in ClinVar:

NM_001127222.2(CACNA1A):c.560C>T (p.Thr187Met)

Gene: CACNA1A (calcium voltage-gated channel subunit alpha1 A; minus strand). Cytogenetic location: 19p13.13.
Variant type: single nucleotide variant.
Coding change: c.560C>T on transcript NM_001127222.2 (MANE Select); coding-DNA position 560, C replaced by T.
Protein change: p.Thr187Met; replaces threonine 187 with methionine.
Molecular consequence: missense variant.
Genome position (GRCh38, 1-based): chr19:13,371,759, G>A on the plus strand (C>T on the coding strand, the complement: CACNA1A is on the minus strand). VCF-style: chr19-13371759-G-A. GRCh37 (hg19) VCF-style: chr19-13482573-G-A.
Other names: c.560C>T, p.Thr187Met (NM_001174080.2, NM_023035.3, NM_000068.4 and 1 more transcripts); c.560C>T (NM_000068.2); short protein forms T187M.
Identifiers: ClinVar variation 1298744 (VCV001298744.41), dbSNP rs1015798325, ClinGen allele CA305562426.
Genomic context (GRCh38, chr19:13,371,759, plus strand): 5'-GACACCAGCTTGAGCGGCCGCAGCACTCGAACTGCCCTCAGCGTCCGTAGGTCAAACTCC[G>A]TCCCAACTGTCGCCAAGATGCTGAAAGAAAGAAGCCAGAATGGAGAACAGAGGGTGGGTT-3'
Protein context (NP_001120694.1, residues 177-197): VLTGILATVG[Thr187Met]EFDLRTLRAV

ClinVar aggregate classification (germline): Uncertain significance. Review status: criteria provided, multiple submitters, no conflicts (2 of 4 stars). 5 submissions from 5 submitters: Uncertain significance (5). Last evaluated 2025-01-20.

Conditions:
CACNA1A-related disorder. Also called: CACNA1A-related condition.
Developmental and epileptic encephalopathy, 42 (DEE42A). Also called: DEVELOPMENTAL AND EPILEPTIC ENCEPHALOPATHY 42A; EPILEPTIC ENCEPHALOPATHY, EARLY INFANTILE, 42A; Epileptic encephalopathy, early infantile, 42. Identifiers: MedGen C4310716, MONDO:0014917, OMIM 617106.
Episodic ataxia type 2 (EA2). Also called: ATAXIA, EPISODIC, WITH NYSTAGMUS; ATAXIA, FAMILIAL PAROXYSMAL; CEREBELLAR ATAXIA, PAROXYSMAL, ACETAZOLAMIDE-RESPONSIVE; CEREBELLOPATHY, HEREDITARY PAROXYSMAL; EPISODIC ATAXIA, NYSTAGMUS-ASSOCIATED; ACETAZOLAMIDE-RESPONSIVE HEREDITARY PAROXYSMAL CEREBELLAR ATAXIA. Identifiers: Orphanet 97, MedGen C1720416, MONDO:0007163, OMIM 108500.

Allele frequency attached by ClinVar (database versions not stated): gnomAD exomes below 0.00001; TOPMed below 0.00001.
gnomAD v4.1: 2 of 1,574,656 alleles (0.00013%); highest among the groups gnomAD compares: Non-Finnish European, 0.00017%; no homozygotes.

Submissions (5):

Labcorp Genetics (formerly Invitae), Labcorp
Classification: Uncertain significance for Developmental and epileptic encephalopathy, 42; Episodic ataxia type 2. Last evaluated: 2025-01-20. Review status: criteria provided, single submitter. Criteria: Invitae Variant Classification Sherloc (09022015). Collection method: clinical testing. Allele origin: germline.
Comment: This sequence change replaces threonine, which is neutral and polar, with methionine, which is neutral and non-polar, at codon 187 of the CACNA1A protein (p.Thr187Met). This variant is not present in population databases (gnomAD no frequency). This variant has not been reported in the literature in individuals affected with CACNA1A-related conditions. ClinVar contains an entry for this variant (Variation ID: 1298744). Invitae Evidence Modeling of protein sequence and biophysical properties (such as structural, functional, and spatial information, amino acid conservation, physicochemical variation, residue mobility, and thermodynamic stability) has been performed for this missense variant. However, the output from this modeling did not meet the statistical confidence thresholds required to predict the impact of this variant on CACNA1A protein function. In summary, the available evidence is currently insufficient to determine the role of this variant in disease. Therefore, it has been classified as a Variant of Uncertain Significance.

Athena Diagnostics
Classification: Uncertain significance. Last evaluated: 2025-01-13. Review status: criteria provided, single submitter. Criteria: Athena Diagnostics Criteria. Collection method: clinical testing. Allele origin: unknown.
Comment: Available data are insufficient to determine the clinical significance of the variant at this time. This variant has not been reported in large, multi-ethnic general populations. Polyphen and MutationTaster predict this amino acid change may be benign.

3billion
Classification: Uncertain significance for CACNA1A-related disorder. Last evaluated: 2024-08-12. Review status: criteria provided, single submitter. Criteria: ACMG Guidelines, 2015. Collection method: clinical testing. Allele origin: germline. Affected: yes.
Comment: The variant is observed at an extremely low frequency in the gnomAD v4.0.0 dataset (total allele frequency: <0.001%). Predicted Consequence/Location: Missense variant In silico tool predictions suggest damaging effect of the variant on gene or gene product [REVEL: 0.70 (>=0.6, sensitivity 0.68 and specificity 0.92); 3Cnet: 0.73 (>=0.6, sensitivity 0.72 and precision 0.9)]. The variant has been reported as of uncertain significance (ClinVar ID: VCV001298744). Therefore, this variant is classified as VUS according to the recommendation of ACMG/AMP guideline.

CeGaT Center for Human Genetics Tuebingen
Classification: Uncertain significance. Last evaluated: 2021-09-01. Review status: criteria provided, single submitter. Criteria: CeGaT Center For Human Genetics Tuebingen Variant Classification Criteria Version 2. Collection method: clinical testing. Allele origin: germline. Affected: yes. Observed: 1 variant allele.

Blueprint Genetics
Classification: Uncertain significance. Last evaluated: 2021-01-22. Review status: criteria provided, single submitter. Criteria: ACMG Guidelines, 2015. Collection method: clinical testing. Allele origin: germline.